The following is an entry in ClinVar:

ClinVar aggregate classification (germline): Uncertain significance. Review status: criteria provided, multiple submitters, no conflicts (2 of 4 stars). 4 submissions from 4 submitters: Uncertain significance (4). Last evaluated 2025-11-17.

Conditions:
Inborn genetic diseases. Identifiers: MedGen C0950123, MeSH D030342.
Hereditary spastic paraplegia. Also called: Familial spastic paraparesis. Identifiers: Orphanet 685, MedGen C0037773, MONDO:0019064. Disease mechanism: loss of function.
Progressive sclerosing poliodystrophy (MTDPS4A). Also called: Mitochondrial DNA depletion syndrome 4A (Alpers type); Mitochondrial DNA Depletion Syndrome 4A; Alpers Syndrome; ALPERS DIFFUSE DEGENERATION OF CEREBRAL GRAY MATTER WITH HEPATIC CIRRHOSIS; Alpers-Huttenlocher Syndrome; ALPERS PROGRESSIVE INFANTILE POLIODYSTROPHY. Identifiers: Orphanet 726, MedGen C0205710, MONDO:0008758, OMIM 203700.

Allele frequency attached by ClinVar (database versions not stated): gnomAD 0.00001 and 0.00002; gnomAD exomes 0.00001; TOPMed 0.00002.
gnomAD v4.1: 12 of 1,536,722 alleles (0.00078%); highest among the groups gnomAD compares: Non-Finnish European, 0.001%; no homozygotes.

Submissions (4):

Labcorp Genetics (formerly Invitae), Labcorp
Classification: Uncertain significance for Progressive sclerosing poliodystrophy. Last evaluated: 2025-11-17. Review status: criteria provided, single submitter. Criteria: Invitae Variant Classification Sherloc (09022015). Collection method: clinical testing. Allele origin: germline.
Comment: This sequence change replaces threonine, which is neutral and polar, with serine, which is neutral and polar, at codon 13 of the POLG protein (p.Thr13Ser). This variant is present in population databases (no rsID available, gnomAD 0.002%). This variant has not been reported in the literature in individuals affected with POLG-related conditions. ClinVar contains an entry for this variant (Variation ID: 586363). Invitae Evidence Modeling of protein sequence and biophysical properties (such as structural, functional, and spatial information, amino acid conservation, physicochemical variation, residue mobility, and thermodynamic stability) indicates that this missense variant is not expected to disrupt POLG protein function with a negative predictive value of 95%. In summary, the available evidence is currently insufficient to determine the role of this variant in disease. Therefore, it has been classified as a Variant of Uncertain Significance.

Ambry Genetics
Classification: Uncertain significance for Inborn genetic diseases. Last evaluated: 2017-12-18. Review status: criteria provided, single submitter. Criteria: Ambry Variant Classification Scheme 2023. Collection method: clinical testing. Allele origin: germline.
Comment: The p.T13S variant (also known as c.38C>G), located in coding exon 1 of the POLG gene, results from a C to G substitution at nucleotide position 38. The threonine at codon 13 is replaced by serine, an amino acid with similar properties. This amino acid position is not well conserved in available vertebrate species. In addition, this alteration is predicted to be tolerated by in silico analysis. Since supporting evidence is limited at this time, the clinical significance of this alteration remains unclear.

Athena Diagnostics
Classification: Uncertain significance. Last evaluated: 2017-09-05. Review status: criteria provided, single submitter. Criteria: Athena Diagnostics Criteria. Collection method: clinical testing. Allele origin: germline.

Genome Diagnostics Laboratory, The Hospital for Sick Children
Classification: Uncertain significance for Hereditary spastic paraplegia. Last evaluated: 2016-12-12. Review status: criteria provided, single submitter. Criteria: ACMG Guidelines, 2015. Collection method: clinical testing. Allele origin: germline. Affected: yes.

NM_002693.3(POLG):c.38C>G (p.Thr13Ser)

Genes: POLG (DNA polymerase gamma, catalytic subunit; minus strand), POLGARF (POLG alternative reading frame; minus strand). Cytogenetic location: 15q26.1.
Variant type: single nucleotide variant.
Coding change: c.38C>G on transcript NM_002693.3 (MANE Select); coding-DNA position 38, C replaced by G.
Protein change: p.Thr13Ser; replaces threonine 13 with serine.
Molecular consequence: missense variant.
Genome position (GRCh38, 1-based): chr15:89,333,717, G>C on the plus strand (C>G on the coding strand, the complement: POLG is on the minus strand). VCF-style: chr15-89333717-G-C. GRCh37 (hg19) VCF-style: chr15-89876948-G-C.
Other names: c.38C>G, p.Thr13Ser (NM_001126131.2); short protein forms T13S.
Identifiers: ClinVar variation 586363 (VCV000586363.15), dbSNP rs1199924512, ClinGen allele CA10602286.